The following is an entry in ClinVar:

ClinVar aggregate classification (germline): Benign. Review status: criteria provided, multiple submitters, no conflicts (2 of 4 stars). 2 submissions from 2 submitters: Benign (2). Last evaluated 2018-01-13.

Conditions:
Mucopolysaccharidosis, MPS-III-A (MPS3A). Also called: MUCOPOLYSACCHARIDOSIS, TYPE IIIA, ATTENUATED; Mucopolysaccharidosis type IIIA (Sanfilippo A); mucopolysaccharidosis type 3A; MPS IIIA (Sanfilippo Syndrome Type A); MPS III A; HEPARAN SULFATE SULFATASE DEFICIENCY. Identifiers: Orphanet 581, Orphanet 79269, MedGen C0086647, MONDO:0009655, OMIM 252900.

Allele frequency attached by ClinVar (database versions not stated): gnomAD 0.47710 and 0.47346; TOPMed 0.46044; 1000 Genomes Project 0.45068.
gnomAD v4.1: 541,360 of 961,614 alleles (56%); highest among the groups gnomAD compares: Non-Finnish European, 59%; 157,694 homozygotes.

Submissions (2):

Illumina Laboratory Services, Illumina
Classification: Benign for Mucopolysaccharidosis, MPS-III-A. Last evaluated: 2018-01-13. Review status: criteria provided, single submitter. Criteria: ICSL Variant Classification Criteria 13 December 2019. Collection method: clinical testing. Allele origin: germline.
Comment: This variant was observed in the ICSL laboratory as part of a predisposition screen in an ostensibly healthy population. It had not been previously curated by ICSL or reported in the Human Gene Mutation Database (HGMD: prior to June 1st, 2018), and was therefore a candidate for classification through an automated scoring system. Utilizing variant allele frequency, disease prevalence and penetrance estimates, and inheritance mode, an automated score was calculated to assess if this variant is too frequent to cause the disease. Based on the score and internal cut-off values, a variant classified as benign is not then subjected to further curation. The score for this variant resulted in a classification of benign for this disease.

Breakthrough Genomics
Classification: Benign. Review status: criteria provided, single submitter. Criteria: ACMG Guidelines, 2015. Collection method: not provided. Allele origin: germline. Inheritance: Autosomal recessive inheritance. Affected: yes.

NM_000199.5(SGSH):c.*855T>C

Gene: SGSH (N-sulfoglucosamine sulfohydrolase; minus strand). Cytogenetic location: 17q25.3.
Variant type: single nucleotide variant.
Coding change: c.*855T>C on transcript NM_000199.5 (MANE Select); 855 bases downstream of the stop codon, T replaced by C.
Molecular consequence: 3 prime UTR variant. On other transcripts: non-coding transcript variant (1).
Genome position (GRCh38, 1-based): chr17:80,209,597, A>G on the plus strand (T>C on the coding strand, the complement: SGSH is on the minus strand). VCF-style: chr17-80209597-A-G. GRCh37 (hg19) VCF-style: chr17-78183396-A-G.
Other names: c.*1451T>C (NM_001352921.3); c.*1414T>C (NM_001352922.2).
Identifiers: ClinVar variation 325813 (VCV000325813.6), dbSNP rs1046832, ClinGen allele CA10647071.